The following is an entry in ClinVar:

NM_000051.4(ATM):c.3981A>C (p.Leu1327Phe)

Gene: ATM (ATM serine/threonine kinase; plus strand). Cytogenetic location: 11q22.3.
Variant type: single nucleotide variant.
Coding change: c.3981A>C on transcript NM_000051.4 (MANE Select); coding-DNA position 3981, A replaced by C.
Protein change: p.Leu1327Phe; replaces leucine 1327 with phenylalanine.
Molecular consequence: missense variant.
Genome position (GRCh38, 1-based): chr11:108,284,461, A>C. VCF-style: chr11-108284461-A-C. GRCh37 (hg19) VCF-style: chr11-108155188-A-C.
Other names: c.3981A>C, p.Leu1327Phe (NM_001351834.2); short protein forms L1327F.
Identifiers: ClinVar variation 1736704 (VCV001736704.2), dbSNP rs1064794874, ClinGen allele CA382526227.
Genomic context (GRCh38, chr11:108,284,461, plus strand): 5'-GATGGCACAGCAAAGAGAGACTGCTACCAAGGTCTATGATATGCTTAAAAGTGAAAACTT[A>C]TTGGGAAAACAGGTATGGCTTCAATTTTTATGTACTTTTCATTCCCTGAATGATATGAGA-3'
Protein context (NP_000042.3, residues 1317-1337): KVYDMLKSEN[Leu1327Phe]LGKQIDHLFI

ClinVar aggregate classification (germline): Uncertain significance (1 of 4 stars; one submission).

Conditions:
Hereditary cancer-predisposing syndrome. Also called: Neoplastic Syndromes, Hereditary; Tumor predisposition; Hereditary Cancer Syndrome; Hereditary neoplastic syndrome. Identifiers: Orphanet 140162, MedGen C0027672, MeSH D009386, MONDO:0015356.

Submission:

Ambry Genetics
Classification: Uncertain significance for Hereditary cancer-predisposing syndrome. Last evaluated: 2021-07-23. Review status: criteria provided, single submitter. Criteria: Ambry Variant Classification Scheme 2023. Collection method: clinical testing. Allele origin: germline.
Comment: The p.L1327F variant (also known as c.3981A>C), located in coding exon 25 of the ATM gene, results from an A to C substitution at nucleotide position 3981. The leucine at codon 1327 is replaced by phenylalanine, an amino acid with highly similar properties. This amino acid position is conserved. In addition, this alteration is predicted to be tolerated by in silico analysis. Since supporting evidence is limited at this time, the clinical significance of this alteration remains unclear.